The following is an entry in ClinVar:

NM_001382567.1(STIM1):c.1232C>G (p.Thr411Arg)

Gene: STIM1 (stromal interaction molecule 1; plus strand). Cytogenetic location: 11p15.4.
Variant type: single nucleotide variant.
Coding change: c.1232C>G on transcript NM_001382567.1 (MANE Select); coding-DNA position 1232, C replaced by G.
Protein change: p.Thr411Arg; replaces threonine 411 with arginine.
Molecular consequence: missense variant. On other transcripts: non-coding transcript variant (2).
Genome position (GRCh38, 1-based): chr11:4,082,976, C>G. VCF-style: chr11-4082976-C-G. GRCh37 (hg19) VCF-style: chr11-4104206-C-G.
Other names: c.1232C>G, p.Thr411Arg (NM_001277961.3, NM_001277962.2, NM_001382568.1 and 1 more transcripts); c.1010C>G, p.Thr337Arg (NM_001382566.1, NM_001382573.1, NM_001382575.1 and 4 more transcripts); c.1097C>G, p.Thr366Arg (NM_001382569.1); c.1004C>G, p.Thr335Arg (NM_001382570.1); c.752C>G, p.Thr251Arg (NM_001382571.1); c.743C>G, p.Thr248Arg (NM_001382580.1, NM_001382581.1); short protein forms T251R, T337R, T335R, T411R, T366R, T248R.
Identifiers: ClinVar variation 2929456 (VCV002929456.3), dbSNP rs2498473489, ClinGen allele CA379193956.
Genomic context (GRCh38, chr11:4,082,976, plus strand): 5'-TTGGCACCTTCCACGTGGCCCACAGCTCTTCCCTGGATGATGTAGATCATAAAATTCTAA[C>G]AGCTAAGTAAGTAACACCAGTTATCTACTCTGGCAATGTCCATATCATCCTCAGAATTTG-3'
Protein context (NP_001369496.1, residues 401-421): SLDDVDHKIL[Thr411Arg]AKQALSEVTA

ClinVar aggregate classification (germline): Uncertain significance (1 of 4 stars; one submission).

Conditions:
Combined immunodeficiency due to STIM1 deficiency. Also called: IMMUNODEFICIENCY 10; STIM1 DEFICIENCY. Identifiers: Orphanet 169090, Orphanet 317430, MedGen C2748557, MONDO:0013008, OMIM 612783.
Stormorken syndrome (STRMK). Also called: THROMBOCYTOPATHY, ASPLENIA, AND MIOSIS. Identifiers: Orphanet 3204, MedGen C1861451, MONDO:0008497, OMIM 185070.
Myopathy with tubular aggregates (TAM). Also called: Tubular Aggregate Myopathy. Identifiers: Orphanet 2593, MedGen C0410207, MONDO:0008051.

Submission:

Labcorp Genetics (formerly Invitae), Labcorp
Classification: Uncertain significance for Myopathy with tubular aggregates; Combined immunodeficiency due to STIM1 deficiency; Stormorken syndrome. Last evaluated: 2023-09-03. Review status: criteria provided, single submitter. Criteria: Invitae Variant Classification Sherloc (09022015). Collection method: clinical testing. Allele origin: germline.
Comment: This sequence change replaces threonine, which is neutral and polar, with arginine, which is basic and polar, at codon 411 of the STIM1 protein (p.Thr411Arg). This variant is not present in population databases (gnomAD no frequency). This variant has not been reported in the literature in individuals affected with STIM1-related conditions. Advanced modeling of protein sequence and biophysical properties (such as structural, functional, and spatial information, amino acid conservation, physicochemical variation, residue mobility, and thermodynamic stability) performed at Invitae indicates that this missense variant is not expected to disrupt STIM1 protein function. In summary, the available evidence is currently insufficient to determine the role of this variant in disease. Therefore, it has been classified as a Variant of Uncertain Significance.